The following is an entry in ClinVar:

NM_001142966.3(GREB1L):c.2720G>A (p.Arg907His)

Gene: GREB1L (GREB1 like retinoic acid receptor coactivator; plus strand). Cytogenetic location: 18q11.1.
Variant type: single nucleotide variant.
Coding change: c.2720G>A on transcript NM_001142966.3 (MANE Select); coding-DNA position 2720, G replaced by A.
Protein change: p.Arg907His; replaces arginine 907 with histidine.
Molecular consequence: missense variant.
Genome position (GRCh38, 1-based): chr18:21,490,041, G>A. VCF-style: chr18-21490041-G-A. GRCh37 (hg19) VCF-style: chr18-19070002-G-A.
Other names: c.2849G>A, p.Arg950His (NM_001410867.1); c.2393G>A, p.Arg798His (NM_001410868.1); short protein forms R798H, R907H, R950H.
Identifiers: ClinVar variation 3893656 (VCV003893656.1).
Genomic context (GRCh38, chr18:21,490,041, plus strand): 5'-CTGAGTGCTAGTGCCTTGTTTTCTGTTGAAGGTACCCCAGGCTGCACAGCATGGTCGTCC[G>A]CTGCTATCTTCTCATCCAGCAGTACTCTGAGGCCCTGATGGCTCTCACCACCATGGCGTC-3'
Protein context (NP_001136438.1, residues 897-917): RYPRLHSMVV[Arg907His]CYLLIQQYSE

ClinVar aggregate classification (germline): Uncertain significance (1 of 4 stars; one submission).

gnomAD v4.1: 6 of 1,551,792 alleles (0.00039%); highest among the groups gnomAD compares: Non-Finnish European, 0.00052%; no homozygotes.

Submission:

GeneDx
Classification: Uncertain significance. Last evaluated: 2024-10-28. Review status: criteria provided, single submitter. Criteria: GeneDx Variant Classification Process June 2021. Collection method: clinical testing. Allele origin: germline. Affected: yes.
Comment: Not observed at significant frequency in large population cohorts (gnomAD); In silico analysis supports that this missense variant has a deleterious effect on protein structure/function; Has not been previously published as pathogenic or benign to our knowledge